The following is an entry in ClinVar:

ClinVar aggregate classification (germline): Likely benign (1 of 4 stars; one submission).

Allele frequency attached by ClinVar (database versions not stated): 1000 Genomes Project 30x 0.00125; 1000 Genomes Project 0.00160.
gnomAD v4.1: 63 of 1,614,136 alleles (0.0039%); highest among the groups gnomAD compares: East Asian, 0.1%; no homozygotes.

Submission:

CeGaT Center for Human Genetics Tuebingen
Classification: Likely benign. Last evaluated: 2022-11-01. Review status: criteria provided, single submitter. Criteria: CeGaT Center For Human Genetics Tuebingen Variant Classification Criteria Version 2. Collection method: clinical testing. Allele origin: germline. Affected: yes. Observed: 1 variant allele.
Comment: DNAH10: BP4, BP7

NM_001372106.1(DNAH10):c.2569C>A (p.Arg857=)

Gene: DNAH10 (dynein axonemal heavy chain 10; plus strand). Cytogenetic location: 12q24.31.
Variant type: single nucleotide variant.
Coding change: c.2569C>A on transcript NM_001372106.1 (MANE Select); coding-DNA position 2569, C replaced by A.
Protein change: p.Arg857=; no amino-acid change (arginine 857 retained).
Molecular consequence: synonymous variant.
Genome position (GRCh38, 1-based): chr12:123,801,387, C>A. VCF-style: chr12-123801387-C-A. GRCh37 (hg19) VCF-style: chr12-124285934-C-A.
Other names: c.2215C>A, p.Arg739= (NM_001083900.1, NM_207437.3).
Identifiers: ClinVar variation 2643522 (VCV002643522.24), dbSNP rs201207884, ClinGen allele CA6863078.